The following is an entry in ClinVar:

ClinVar aggregate classification (germline): Pathogenic (1 of 4 stars; one submission).

Conditions:
GNE myopathy (NM). Also called: INCLUSION BODY MYOPATHY 2, AUTOSOMAL RECESSIVE; MYOPATHY, DISTAL, WITH OR WITHOUT RIMMED VACUOLES; IBM 2; Inclusion body myopathy autosomal recessive; Inclusion body myopathy quadriceps sparing; NONAKA DISTAL MYOPATHY. Identifiers: Orphanet 602, MedGen C1853926, MONDO:0011603, OMIM 605820.

Submission:

Myriad Genetics, Inc.
Classification: Pathogenic for GNE myopathy. Last evaluated: 2024-12-10. Review status: criteria provided, single submitter. Criteria: Myriad Autosomal Dominant, Autosomal Recessive and X-Linked Classification Criteria (2023). Collection method: clinical testing. Allele origin: unknown.
Comment: NM_001128227.2(GNE):c.1223dupT(D409Rfs*24) is expected to be pathogenic in the context of GNE myopathy. This variant is predicted to lead to an abnormal or absent protein product due to the creation of a premature termination codon in GNE, a gene where loss-of-function variants are known to be pathogenic. Please note: this variant was assessed in the context of healthy population screening.

NM_005476.7(GNE):c.1130dup (p.Asp378fs)

Gene: GNE (glucosamine (UDP-N-acetyl)-2-epimerase/N-acetylmannosamine kinase; minus strand). Cytogenetic location: 9p13.3.
Variant type: Duplication.
Coding change: c.1130dup on transcript NM_005476.7 (MANE Select); coding-DNA position 1130, one base duplicated (T; older notation c.1130dupT).
Protein change: p.Asp378fs; shifts the reading frame from aspartic acid 378.
Molecular consequence: frameshift variant.
Genome position (GRCh38, 1-based): chr9:36,227,399, A duplicated on the plus strand (T on the coding strand, the reverse complement: GNE is on the minus strand). VCF-style (leftmost placement, unchanged base first): chr9-36227398-G-GA. GRCh37 (hg19) VCF-style: chr9-36227395-G-GA.
Other names: c.1223dup, p.Asp409fs (NM_001128227.3); c.1130dup, p.Asp378fs (NM_001190383.3); c.800dup, p.Asp268fs (NM_001190384.3); c.953dup, p.Asp319fs (NM_001190388.2, NM_001374798.1); c.977dup, p.Asp327fs (NM_001374797.1); short protein forms D268fs, D319fs, D327fs, D378fs, D409fs.
Identifiers: ClinVar variation 5013848 (VCV005013848.1).